The following is an entry in ClinVar:

NM_012478.4(WBP2):c.397+5C>T

Gene: WBP2 (WW domain binding protein 2; minus strand). Cytogenetic location: 17q25.1.
Variant type: single nucleotide variant.
Coding change: c.397+5C>T on transcript NM_012478.4 (MANE Select); 5 bases into the intron after coding-DNA position 397, C replaced by T.
Molecular consequence: intron variant.
Genome position (GRCh38, 1-based): chr17:75,848,565, G>A on the plus strand (C>T on the coding strand, the complement: WBP2 is on the minus strand). VCF-style: chr17-75848565-G-A. GRCh37 (hg19) VCF-style: chr17-73844646-G-A.
Other names: c.397+5C>T (NM_001348170.1, NM_001330499.2).
Identifiers: ClinVar variation 4755085 (VCV004755085.1).

ClinVar aggregate classification (germline): Uncertain significance (1 of 4 stars; one submission).

gnomAD v4.1: 98 of 1,613,274 alleles (0.0061%); highest among the groups gnomAD compares: Non-Finnish European, 0.0081%; no homozygotes.

Submission:

Labcorp Genetics (formerly Invitae), Labcorp
Classification: Uncertain significance. Last evaluated: 2025-06-10. Review status: criteria provided, single submitter. Criteria: Invitae Variant Classification Sherloc (09022015). Collection method: clinical testing. Allele origin: germline.
Comment: This sequence change falls in intron 4 of the WBP2 gene. It does not directly change the encoded amino acid sequence of the WBP2 protein. It affects a nucleotide within the consensus splice site. This variant is present in population databases (rs375259732, gnomAD 0.01%). This variant has not been reported in the literature in individuals affected with WBP2-related conditions. Variants that disrupt the consensus splice site are a relatively common cause of aberrant splicing (PMID: 17576681, 9536098). Algorithms developed to predict the effect of sequence changes on RNA splicing suggest that this variant is not likely to affect RNA splicing. In summary, the available evidence is currently insufficient to determine the role of this variant in disease. Therefore, it has been classified as a Variant of Uncertain Significance.

Literature cited by the submitters: PubMed 17576681; PubMed 9536098.